The following is an entry in ClinVar:

ClinVar aggregate classification (germline): Uncertain significance. Review status: criteria provided, multiple submitters, no conflicts (2 of 4 stars). 5 submissions from 5 submitters: Uncertain significance (5). Last evaluated 2025-08-25.

Conditions:
Hereditary cancer-predisposing syndrome. Also called: Hereditary neoplastic syndrome; Hereditary Cancer Syndrome; Neoplastic Syndromes, Hereditary; Tumor predisposition. Identifiers: Orphanet 140162, MedGen C0027672, MeSH D009386, MONDO:0015356.
Familial cancer of breast. Also called: hereditary breast carcinoma; Hereditary breast cancer; BREAST CANCER, FAMILIAL. Identifiers: Orphanet 227535, MedGen C0346153, MONDO:0016419, OMIM 114480. Disease mechanism: loss of function.
Ataxia-telangiectasia syndrome (AT). Also called: Ataxia-telangiectasia, complementation group D; Cerebello-oculocutaneous telangiectasia; Immunodeficiency with ataxia telangiectasia; ATAXIA-TELANGIECTASIA, COMPLEMENTATION GROUP A; ATAXIA-TELANGIECTASIA, FRESNO VARIANT; LOUIS-BAR SYNDROME. Identifiers: Orphanet 100, MedGen C0004135, MONDO:0008840, OMIM 208900.

Allele frequency attached by ClinVar (database versions not stated): gnomAD exomes below 0.00001; TOPMed below 0.00001; gnomAD 0.00001.
gnomAD v4.1: 2 of 1,613,930 alleles (0.00012%); highest among the groups gnomAD compares: Non-Finnish European, 0.00017%; no homozygotes.

Submissions (5):

Ambry Genetics
Classification: Uncertain significance for Hereditary cancer-predisposing syndrome. Last evaluated: 2025-08-25. Review status: criteria provided, single submitter. Criteria: Ambry Variant Classification Scheme 2023. Collection method: clinical testing. Allele origin: germline.
Comment: The p.K940E variant (also known as c.2818A>G), located in coding exon 17 of the ATM gene, results from an A to G substitution at nucleotide position 2818. The lysine at codon 940 is replaced by glutamic acid, an amino acid with similar properties. This amino acid position is well conserved in available vertebrate species. In addition, the in silico prediction for this alteration is inconclusive. Since supporting evidence is limited at this time, the clinical significance of this alteration remains unclear.

Labcorp Genetics (formerly Invitae), Labcorp
Classification: Uncertain significance for Ataxia-telangiectasia syndrome. Last evaluated: 2025-07-29. Review status: criteria provided, single submitter. Criteria: Invitae Variant Classification Sherloc (09022015). Collection method: clinical testing. Allele origin: germline.
Comment: This sequence change replaces lysine, which is basic and polar, with glutamic acid, which is acidic and polar, at codon 940 of the ATM protein (p.Lys940Glu). This variant is not present in population databases (gnomAD no frequency). This missense change has been observed in individual(s) with breast cancer (PMID: 30426508). ClinVar contains an entry for this variant (Variation ID: 422618). Invitae Evidence Modeling of protein sequence and biophysical properties (such as structural, functional, and spatial information, amino acid conservation, physicochemical variation, residue mobility, and thermodynamic stability) indicates that this missense variant is not expected to disrupt ATM protein function with a negative predictive value of 95%. In summary, the available evidence is currently insufficient to determine the role of this variant in disease. Therefore, it has been classified as a Variant of Uncertain Significance.

Baylor Genetics
Classification: Uncertain significance for Familial cancer of breast. Last evaluated: 2024-02-06. Review status: criteria provided, single submitter. Criteria: ACMG Guidelines, 2015. Collection method: clinical testing. Allele origin: unknown.

Color Diagnostics, LLC DBA Color Health
Classification: Uncertain significance for Hereditary cancer-predisposing syndrome. Last evaluated: 2022-12-14. Review status: criteria provided, single submitter. Criteria: ACMG Guidelines, 2015. Collection method: clinical testing. Allele origin: germline.
Comment: This missense variant replaces lysine with glutamic acid at codon 940 of the ATM protein. Computational prediction suggests that this variant may not impact protein structure and function (internally defined REVEL score threshold <= 0.5, PMID: 27666373). To our knowledge, functional studies have not been reported for this variant. This variant has been reported in an individual affected with bilateral breast cancer; however, this individual also carried a pathogenic variant in PALB2 (PMID: 30426508). This variant has not been identified in the general population by the Genome Aggregation Database (gnomAD). The available evidence is insufficient to determine the role of this variant in disease conclusively. Therefore, this variant is classified as a Variant of Uncertain Significance.

GeneDx
Classification: Uncertain significance. Last evaluated: 2017-12-11. Review status: criteria provided, single submitter. Criteria: GeneDx Variant Classification (06012015). Collection method: clinical testing. Allele origin: germline. Affected: yes.
Comment: This variant is denoted ATM c.2818A>G at the cDNA level, p.Lys940Glu (K940E) at the protein level, and results in the change of a Lysine to a Glutamic Acid (AAA>GAA). This variant has not, to our knowledge, been published in the literature as pathogenic or benign. ATM Lys940Glu was not observed in large population cohorts (Lek 2016). Since Lysine and Glutamic Acid differ in polarity, charge, size or other properties, this is considered a non-conservative amino acid substitution. ATM Lys940Glu is not located in a known functional domain. In-silico analyses, including protein predictors and evolutionary conservation, support that this variant does not alter protein structure/function. Based on currently available evidence, it is unclear whether ATM Lys940Glu is a pathogenic or benign variant. We consider it to be a variant of uncertain significance.

Literature cited by the submitters: PubMed 30426508 (cited by 3 submitters).

NM_000051.4(ATM):c.2818A>G (p.Lys940Glu)

Gene: ATM (ATM serine/threonine kinase; plus strand). Cytogenetic location: 11q22.3.
Variant type: single nucleotide variant.
Coding change: c.2818A>G on transcript NM_000051.4 (MANE Select); coding-DNA position 2818, A replaced by G.
Protein change: p.Lys940Glu; replaces lysine 940 with glutamic acid.
Molecular consequence: missense variant.
Genome position (GRCh38, 1-based): chr11:108,268,589, A>G. VCF-style: chr11-108268589-A-G. GRCh37 (hg19) VCF-style: chr11-108139316-A-G.
Other names: c.2818A>G, p.Lys940Glu (NM_001351834.2); short protein forms K940E.
Identifiers: ClinVar variation 422618 (VCV000422618.18), dbSNP rs1064795896, ClinGen allele CA16619148.
Genomic context (GRCh38, chr11:108,268,589, plus strand): 5'-GCAGCTGATATTCGGAGGAAATTGTTAATGTTAATTGATTCTAGCACGCTAGAACCTACC[A>G]AATCCCTCCACCTGCATATGGTGAGTTACGTTAAATGAAGAAGCTCTTGGATTTTATCTG-3'
Protein context (NP_000042.3, residues 930-950): LIDSSTLEPT[Lys940Glu]SLHLHMYLML